The following is an entry in ClinVar:

ClinVar aggregate classification (germline): Benign/Likely benign. Review status: criteria provided, multiple submitters, no conflicts (2 of 4 stars). 3 submissions from 3 submitters: Benign (2); Likely benign (1). Last evaluated 2026-02-04.

Conditions:
Donnai-Barrow syndrome. Also called: DBS/FOAR SYNDROME; FACIOOCULOACOUSTICORENAL SYNDROME. Identifiers: Orphanet 2143, MedGen C1857277, MONDO:0009104, OMIM 222448.

Allele frequency attached by ClinVar (database versions not stated): gnomAD 0.00001 and 0.00036; TOPMed 0.00009; gnomAD exomes 0.00060 and 0.00122; ExAC 0.00134; 1000 Genomes Project 30x 0.00250; 1000 Genomes Project 0.00280.
gnomAD v4.1: 925 of 1,613,382 alleles (0.057%); highest among the groups gnomAD compares: South Asian, 0.97%; 15 homozygotes.

Submissions (3):

Labcorp Genetics (formerly Invitae), Labcorp
Classification: Benign. Last evaluated: 2026-02-04. Review status: criteria provided, single submitter. Criteria: Invitae Variant Classification Sherloc (09022015). Collection method: clinical testing. Allele origin: germline.

Genome-Nilou Lab
Classification: Benign for Donnai-Barrow syndrome. Last evaluated: 2021-07-15. Review status: criteria provided, single submitter. Criteria: ACMG Guidelines, 2015. Collection method: clinical testing. Allele origin: germline. Affected: no.

Illumina Laboratory Services, Illumina
Classification: Likely benign for Donnai-Barrow syndrome. Last evaluated: 2018-01-13. Review status: criteria provided, single submitter. Criteria: ICSL Variant Classification Criteria 13 December 2019. Collection method: clinical testing. Allele origin: germline.
Comment: This variant was observed in the ICSL laboratory as part of a predisposition screen in an ostensibly healthy population. It had not been previously curated by ICSL or reported in the Human Gene Mutation Database (HGMD: prior to June 1st, 2018), and was therefore a candidate for classification through an automated scoring system. Utilizing variant allele frequency, disease prevalence and penetrance estimates, and inheritance mode, an automated score was calculated to assess if this variant is too frequent to cause the disease. Based on the score and internal cut-off values, a variant classified as likely benign is not then subjected to further curation. The score for this variant resulted in a classification of likely benign for this disease.

NM_004525.3(LRP2):c.9342C>T (p.Cys3114=)

Gene: LRP2 (LDL receptor related protein 2; minus strand). Cytogenetic location: 2q31.1.
Variant type: single nucleotide variant.
Coding change: c.9342C>T on transcript NM_004525.3 (MANE Select); coding-DNA position 9342, C replaced by T.
Protein change: p.Cys3114=; no amino-acid change (cysteine 3114 retained).
Molecular consequence: synonymous variant.
Genome position (GRCh38, 1-based): chr2:169,186,006, G>A on the plus strand (C>T on the coding strand, the complement: LRP2 is on the minus strand). VCF-style: chr2-169186006-G-A. GRCh37 (hg19) VCF-style: chr2-170042516-G-A.
Identifiers: ClinVar variation 332113 (VCV000332113.15), dbSNP rs199803029, ClinGen allele CA1953592.